The following is an entry in ClinVar:

NM_152296.5(ATP1A3):c.2747T>G (p.Ile916Ser)

Gene: ATP1A3 (ATPase Na+/K+ transporting subunit alpha 3; minus strand). Cytogenetic location: 19q13.2.
Variant type: single nucleotide variant.
Coding change: c.2747T>G on transcript NM_152296.5 (MANE Select); coding-DNA position 2747, T replaced by G.
Protein change: p.Ile916Ser; replaces isoleucine 916 with serine.
Molecular consequence: missense variant.
Genome position (GRCh38, 1-based): chr19:41,968,857, A>C on the plus strand (T>G on the coding strand, the complement: ATP1A3 is on the minus strand). VCF-style: chr19-41968857-A-C. GRCh37 (hg19) VCF-style: chr19-42473009-A-C.
Other names: p.I916S; c.2780T>G, p.Ile927Ser (NM_001256213.2); c.2786T>G, p.Ile929Ser (NM_001256214.2); short protein forms I916S, I927S, I929S.
Identifiers: ClinVar variation 452708 (VCV000452708.5), dbSNP rs1555859165, ClinGen allele CA406036120.
Genomic context (GRCh38, chr19:41,968,857, plus strand): 5'-TGGAAGACCGAGTTCCTCCGGGTCTTGCAGATGATCAGATCGGCCCACTGGACGACAACG[A>C]TGCTCACAAAGAAGGCCGTGTGGCAGGTGAACTCCACCACCTTCCTCTGCTCGTATGTCT-3'
Protein context (NP_689509.1, residues 906-926): FTCHTAFFVS[Ile916Ser]VVVQWADLII

ClinVar aggregate classification (germline): Uncertain significance. Review status: criteria provided, single submitter (1 of 4 stars). 2 submissions from 2 submitters: Uncertain significance (1). 1 of the submissions does not count toward it. Last evaluated 2017-10-11.

Conditions:
ATP1A3-related disorder. Also called: ATP1A3-related condition; ATP1A3-related disorders. Identifiers: MedGen CN381097.

Submissions (2):

GeneDx
Classification: Uncertain significance. Last evaluated: 2017-10-11. Review status: criteria provided, single submitter. Criteria: GeneDx Variant Classification (06012015). Collection method: clinical testing. Allele origin: germline. Affected: yes.
Comment: The I916S variant in the ATP1A3 gene has not been reported previously as a pathogenic variant, nor as a benign variant, to our knowledge. The I916S variant is not observed in large population cohorts (Lek et al., 2016). The I916S variant is a non-conservative amino acid substitution, which is likely to impact secondary protein structure as these residues differ in polarity, charge, size and/or other properties. This substitution occurs at a position that is conserved across species, and in silico analysis predicts this variant is probably damaging to the protein structure/function. We interpret I916S as a variant of uncertain significance.

Undiagnosed Diseases Network, NIH
Classification: Likely pathogenic for ATP1A3-related condition. Last evaluated: 2024-06-11. Review status: no assertion criteria provided. Collection method: clinical testing, in vitro. Allele origin: maternal, not applicable. Affected: yes. Observed: 4 variant alleles, 4 heterozygotes. Clinical features observed: Saccadic smooth pursuit interruptions (HP:0001152), Ataxia (HP:0001251), Slurred speech (HP:0001350), Gait ataxia (HP:0002066), Dysdiadochokinesis (HP:0002075), Progressive gait ataxia (HP:0007240). Functional consequence: loss_of_function_variant. Study: Undiagnosed Diseases Network (NIH), UDN. Not counted in ClinVar's aggregate classification.